The following is an entry in ClinVar:

NM_001034850.3(RETREG1):c.193G>A (p.Ala65Thr)

Genes: RETREG1 (reticulophagy regulator 1; minus strand), RETREG1-AS1 (RETREG1 antisense RNA 1; plus strand), LOC129993734 (ATAC-STARR-seq lymphoblastoid silent region 15947; plus strand). Cytogenetic location: 5p15.1.
Variant type: single nucleotide variant.
Coding change: c.193G>A on transcript NM_001034850.3 (MANE Select); coding-DNA position 193, G replaced by A.
Protein change: p.Ala65Thr; replaces alanine 65 with threonine.
Molecular consequence: missense variant.
Genome position (GRCh38, 1-based): chr5:16,616,779, C>T on the plus strand (G>A on the coding strand, the complement: RETREG1 is on the minus strand). VCF-style: chr5-16616779-C-T. GRCh37 (hg19) VCF-style: chr5-16616888-C-T.
Other names: short protein forms A65T.
Identifiers: ClinVar variation 1523849 (VCV001523849.8), dbSNP rs2126387909, ClinGen allele CA359292818.
Genomic context (GRCh38, chr5:16,616,779, plus strand): 5'-CGTCGGCGCGGCAGCCCAGCCACAGCACCGGCTCCCCGAGCAGCCAGGTTACCGCGGCCG[C>T]CGCCCGGCCCGCGGCCTCCTCCACCTGCAACCCCGCGCCCTCCGCCGCCCCAGCTTCCTG-3'
Protein context (NP_001030022.1, residues 55-75): LQVEEAAGRA[Ala65Thr]AAVTWLLGEP

ClinVar aggregate classification (germline): Uncertain significance (1 of 4 stars; one submission).

Submission:

Labcorp Genetics (formerly Invitae), Labcorp
Classification: Uncertain significance. Last evaluated: 2021-05-17. Review status: criteria provided, single submitter. Criteria: Invitae Variant Classification Sherloc (09022015). Collection method: clinical testing. Allele origin: germline.
Comment: In summary, the available evidence is currently insufficient to determine the role of this variant in disease. Therefore, it has been classified as a Variant of Uncertain Significance. Algorithms developed to predict the effect of missense changes on protein structure and function are either unavailable or do not agree on the potential impact of this missense change (SIFT: "Deleterious"; PolyPhen-2: "Not Available"; Align-GVGD: "Class C0"). This variant has not been reported in the literature in individuals with RETREG1-related conditions. The frequency data for this variant in the population databases is considered unreliable, as metrics indicate insufficient coverage at this position in the ExAC database. This sequence change replaces alanine with threonine at codon 65 of the RETREG1 protein (p.Ala65Thr). The alanine residue is weakly conserved and there is a small physicochemical difference between alanine and threonine.